The following is an entry in ClinVar:

ClinVar aggregate classification (germline): Uncertain significance. Review status: criteria provided, multiple submitters, no conflicts (2 of 4 stars). 2 submissions from 2 submitters: Uncertain significance (2). Last evaluated 2025-07-24.

Conditions:
Inborn genetic diseases. Identifiers: MedGen C0950123, MeSH D030342.

gnomAD v4.1: 2 of 1,614,146 alleles (0.00012%); no homozygotes.

Submissions (2):

Ambry Genetics
Classification: Uncertain significance for Inborn genetic diseases. Last evaluated: 2025-07-24. Review status: criteria provided, single submitter. Criteria: Ambry Variant Classification Scheme 2023. Collection method: clinical testing. Allele origin: germline.
Comment: The p.V1718L variant (also known as c.5152G>T), located in coding exon 20 of the FANCM gene, results from a G to T substitution at nucleotide position 5152. The valine at codon 1718 is replaced by leucine, an amino acid with highly similar properties. This amino acid position is conserved. In addition, this alteration is predicted to be tolerated by in silico analysis. Based on the available evidence, the clinical significance of this variant remains unclear.

GeneDx
Classification: Uncertain significance. Last evaluated: 2024-03-18. Review status: criteria provided, single submitter. Criteria: GeneDx Variant Classification Process June 2021. Collection method: clinical testing. Allele origin: germline. Affected: yes.
Comment: Not observed at significant frequency in large population cohorts (gnomAD); In silico analysis supports that this missense variant does not alter protein structure/function; Has not been previously published as pathogenic or benign to our knowledge

NM_020937.4(FANCM):c.5152G>T (p.Val1718Leu)

Gene: FANCM (FA complementation group M; plus strand). Cytogenetic location: 14q21.2.
Variant type: single nucleotide variant.
Coding change: c.5152G>T on transcript NM_020937.4 (MANE Select); coding-DNA position 5152, G replaced by T.
Protein change: p.Val1718Leu; replaces valine 1718 with leucine.
Molecular consequence: missense variant.
Genome position (GRCh38, 1-based): chr14:45,189,174, G>T. VCF-style: chr14-45189174-G-T. GRCh37 (hg19) VCF-style: chr14-45658377-G-T.
Other names: c.5074G>T, p.Val1692Leu (NM_001308133.2); short protein forms V1692L, V1718L.
Identifiers: ClinVar variation 3371130 (VCV003371130.2).